The following is an entry in ClinVar:

ClinVar aggregate classification (germline): Likely benign. Review status: criteria provided, multiple submitters, no conflicts (2 of 4 stars). 4 submissions from 4 submitters: Likely benign (4). Last evaluated 2026-04-01.

Conditions:
FLI1-related disorder. Also called: FLI1-related condition.

Allele frequency attached by ClinVar (database versions not stated): ExAC 0.00010; gnomAD exomes 0.00011; 1000 Genomes Project 30x 0.00016; ESP Exome Variant Server 0.00016; 1000 Genomes Project 0.00020; gnomAD 0.00021; TOPMed 0.00042.
gnomAD v4.1: 171 of 1,613,908 alleles (0.011%); highest among the groups gnomAD compares: Middle Eastern, 0.082%; no homozygotes.

Submissions (4):

CeGaT Center for Human Genetics Tuebingen
Classification: Likely benign. Last evaluated: 2026-04-01. Review status: criteria provided, single submitter. Criteria: CeGaT Center For Human Genetics Tuebingen Variant Classification Criteria Version 2. Collection method: clinical testing. Allele origin: germline. Affected: yes. Observed: 1 variant allele.
Comment: FLI1: BP4, BP7

PreventionGenetics, part of Exact Sciences
Classification: Likely benign for FLI1-related condition. Last evaluated: 2026-01-03. Review status: criteria provided, single submitter. Criteria: ACMG Guidelines, 2015. Collection method: clinical testing. Allele origin: germline.
Comment: This variant is classified as likely benign based on ACMG/AMP sequence variant interpretation guidelines (Richards et al. 2015 PMID: 25741868, with internal and published modifications).

Labcorp Genetics (formerly Invitae), Labcorp
Classification: Likely benign. Last evaluated: 2025-11-17. Review status: criteria provided, single submitter. Criteria: Invitae Variant Classification Sherloc (09022015). Collection method: clinical testing. Allele origin: germline.

Genetic Services Laboratory, University of Chicago
Classification: Likely benign. Last evaluated: 2018-10-30. Review status: criteria provided, single submitter. Criteria: ACMG Guidelines, 2015. Collection method: clinical testing. Allele origin: germline. Affected: no.

NM_002017.5(FLI1):c.360C>T (p.Asn120=)

Gene: FLI1 (Fli-1 proto-oncogene, ETS transcription factor; plus strand). Cytogenetic location: 11q24.3.
Variant type: single nucleotide variant.
Coding change: c.360C>T on transcript NM_002017.5 (MANE Select); coding-DNA position 360, C replaced by T.
Protein change: p.Asn120=; no amino-acid change (asparagine 120 retained).
Molecular consequence: synonymous variant. On other transcripts: intron variant (1).
Genome position (GRCh38, 1-based): chr11:128,768,247, C>T. VCF-style: chr11-128768247-C-T. GRCh37 (hg19) VCF-style: chr11-128638142-C-T.
Other names: c.261C>T, p.Asn87= (NM_001167681.3); c.162C>T, p.Asn54= (NM_001271010.2); c.10+9921C>T (NM_001271012.2).
Identifiers: ClinVar variation 746926 (VCV000746926.14), dbSNP rs370809611, ClinGen allele CA6357038.
Genomic context (GRCh38, chr11:128,768,247, plus strand): 5'-GAACTACAACAGCTATATGGACGAGAAGAATGGCCCCCCTCCTCCCAACATGACCACCAA[C>T]GAGAGGAGAGTCATCGTCCCCGCAGGTAATTCGAGAACCAGGCTGCCTGGGCGCCATTCA-3'
Protein context (NP_002008.2, residues 110-130): NGPPPPNMTT[Asn120=]ERRVIVPADP